The following is an entry in ClinVar:

NM_004448.4(ERBB2):c.3674_3679del (p.Gln1225_Asp1226del)

Gene: ERBB2 (erb-b2 receptor tyrosine kinase 2; plus strand). Cytogenetic location: 17q12.
Variant type: Deletion.
Coding change: c.3674_3679del on transcript NM_004448.4 (MANE Select); coding-DNA positions 3674 to 3679, 6 bases deleted (AGGACC; older notation c.3674_3679delAGGACC).
Protein change: p.Gln1225_Asp1226del.
Molecular consequence: inframe deletion. On other transcripts: 3 prime UTR variant (2), non-coding transcript variant (1).
Genome position (GRCh38, 1-based): chr17:39,727,950-39,727,955, AGGACC deleted; deleting any 6 consecutive bases within chr17:39,727,945-39,727,955 gives the same sequence; the c. name uses the placement nearest the transcript's 3' end. VCF-style (leftmost placement, unchanged base first): chr17-39727944-GGGACCA-G. GRCh37 (hg19) VCF-style: chr17-37884197-GGGACCA-G.
Other names: c.3584_3589del, p.Gln1195_Asp1196del (NM_001005862.3, NM_001382782.1, NM_001382783.1); c.3629_3634del, p.Gln1210_Asp1211del (NM_001289936.2); c.*253_*258del (NM_001289937.2, NM_001382803.1); c.3791_3796del, p.Gln1264_Asp1265del (NM_001382784.1); c.3776_3781del, p.Gln1259_Asp1260del (NM_001382785.1); c.3755_3760del, p.Gln1252_Asp1253del (NM_001382786.1); c.3749_3754del, p.Gln1250_Asp1251del (NM_001382787.1); c.3704_3709del, p.Gln1235_Asp1236del (NM_001382788.1); and 16 more.
Identifiers: ClinVar variation 2721202 (VCV002721202.4), dbSNP rs755472707, ClinGen allele CA8534597.

ClinVar aggregate classification (germline): Conflicting classifications of pathogenicity. Review status: criteria provided, conflicting classifications (1 of 4 stars). 2 submissions from 2 submitters: Uncertain significance (1); Likely benign (1). Last evaluated 2024-09-20.

Conditions:
Visceral neuropathy, familial, 2, autosomal recessive. Identifiers: MedGen C5561950, MONDO:0030399, OMIM 619465.

Submissions (2):

3billion
Classification: Likely benign for Visceral neuropathy, familial, 2, autosomal recessive. Last evaluated: 2024-09-20. Review status: criteria provided, single submitter. Criteria: ACMG Guidelines, 2015. Collection method: clinical testing. Allele origin: germline. Affected: no.
Comment: The homozygous variant was found in patients diagnosed with another variant in a different gene, with no symptoms related to the gene containing the homozygous variant.

Labcorp Genetics (formerly Invitae), Labcorp
Classification: Uncertain significance. Last evaluated: 2023-07-17. Review status: criteria provided, single submitter. Criteria: Invitae Variant Classification Sherloc (09022015). Collection method: clinical testing. Allele origin: germline.
Comment: This variant is present in population databases (rs755472707, gnomAD 0.004%). This variant, c.3674_3679del, results in the deletion of 2 amino acid(s) of the ERBB2 protein (p.Gln1225_Asp1226del), but otherwise preserves the integrity of the reading frame. This variant has not been reported in the literature in individuals affected with ERBB2-related conditions. In summary, the available evidence is currently insufficient to determine the role of this variant in disease. Therefore, it has been classified as a Variant of Uncertain Significance. Experimental studies and prediction algorithms are not available or were not evaluated, and the functional significance of this variant is currently unknown.